The following is an entry in ClinVar:

NM_001371928.1(AHDC1):c.4443_4447del (p.Lys1482fs)

Gene: AHDC1 (AT-hook DNA binding motif containing 1; minus strand). Cytogenetic location: 1p36.11.
Variant type: Deletion.
Coding change: c.4443_4447del on transcript NM_001371928.1 (MANE Select); coding-DNA positions 4443 to 4447, 5 bases deleted (CAAGG; older notation c.4443_4447delCAAGG).
Protein change: p.Lys1482fs; shifts the reading frame from lysine 1482.
Molecular consequence: frameshift variant.
Genome position (GRCh38, 1-based): chr1:27,547,669-27,547,673, CCTTG deleted on the plus strand (CAAGG on the coding strand, the reverse complement: AHDC1 is on the minus strand); deleting any 5 consecutive bases within chr1:27,547,669-27,547,677 gives the same sequence; the c. name uses the placement nearest the transcript's 3' end. VCF-style (leftmost placement, unchanged base first): chr1-27547668-ACCTTG-A. GRCh37 (hg19) VCF-style: chr1-27874179-ACCTTG-A.
Other names: c.4443_4447del, p.Lys1482fs (NM_001029882.3); short protein forms K1482fs.
Identifiers: ClinVar variation 1215530 (VCV001215530.3), dbSNP rs2148257968, ClinGen allele CA2499214677.

ClinVar aggregate classification (germline): Likely pathogenic (1 of 4 stars; one submission).

Submission:

GeneDx
Classification: Likely pathogenic. Last evaluated: 2019-07-12. Review status: criteria provided, single submitter. Criteria: GeneDx Variant Classification Process June 2021. Collection method: clinical testing. Allele origin: germline. Affected: yes.
Comment: Frameshift variant predicted to result in protein truncation or nonsense mediated decay in a gene for which loss-of-function is a known mechanism of disease; Not observed in large population cohorts (Lek et al., 2016); Has not been previously published as pathogenic or benign to our knowledge